The following is an entry in ClinVar:

NM_139318.5(KCNH5):c.372C>A (p.Phe124Leu)

Gene: KCNH5 (potassium voltage-gated channel subfamily H member 5; minus strand). Cytogenetic location: 14q23.2.
Variant type: single nucleotide variant.
Coding change: c.372C>A on transcript NM_139318.5 (MANE Select); coding-DNA position 372, C replaced by A.
Protein change: p.Phe124Leu; replaces phenylalanine 124 with leucine.
Molecular consequence: missense variant.
Genome position (GRCh38, 1-based): chr14:63,001,392, G>T on the plus strand (C>A on the coding strand, the complement: KCNH5 is on the minus strand). VCF-style: chr14-63001392-G-T. GRCh37 (hg19) VCF-style: chr14-63468110-G-T.
Other names: c.372C>A, p.Phe124Leu (NM_172375.3); c.372C>A (NM_139318.4); short protein forms F124L.
Identifiers: ClinVar variation 2420095 (VCV002420095.7), dbSNP rs1891008285, ClinGen allele CA390105084.
Genomic context (GRCh38, chr14:63,001,392, plus strand): 5'-TTTTGTTGAATCATCCTCTATTGGCTGTTTGAACAACGTAATATCCTTGAAAGTACACAG[G>T]AACAAGACCACCTTTTCATGTTCATTTCTTATTGGTGCAATTTGCATATAAAACCAAACA-3'
Protein context (NP_647479.2, residues 114-134): IRNEHEKVVL[Phe124Leu]LCTFKDITLF

ClinVar aggregate classification (germline): Uncertain significance. Review status: criteria provided, multiple submitters, no conflicts (2 of 4 stars). 2 submissions from 2 submitters: Uncertain significance (2). Last evaluated 2024-12-10.

Conditions:
Early-infantile DEE. Also called: Early infantile epileptic encephalopathy; Early infantile epileptic encephalopathy with suppression bursts; Ohtahara syndrome. Identifiers: Orphanet 1934, MedGen C0393706, MONDO:0800491.

Submissions (2):

GeneDx
Classification: Uncertain significance. Last evaluated: 2024-12-10. Review status: criteria provided, single submitter. Criteria: GeneDx Variant Classification Process June 2021. Collection method: clinical testing. Allele origin: germline. Affected: yes.
Comment: Not observed at significant frequency in large population cohorts (gnomAD); In silico analysis supports that this missense variant has a deleterious effect on protein structure/function; Has not been previously published as pathogenic or benign to our knowledge

Labcorp Genetics (formerly Invitae), Labcorp
Classification: Uncertain significance for Early-infantile DEE. Last evaluated: 2023-10-17. Review status: criteria provided, single submitter. Criteria: Invitae Variant Classification Sherloc (09022015). Collection method: clinical testing. Allele origin: germline.
Comment: This sequence change replaces phenylalanine, which is neutral and non-polar, with leucine, which is neutral and non-polar, at codon 124 of the KCNH5 protein (p.Phe124Leu). This variant is not present in population databases (gnomAD no frequency). This variant has not been reported in the literature in individuals affected with KCNH5-related conditions. ClinVar contains an entry for this variant (Variation ID: 2420095). An algorithm developed to predict the effect of missense changes on protein structure and function (PolyPhen-2) suggests that this variant is likely to be disruptive. In summary, the available evidence is currently insufficient to determine the role of this variant in disease. Therefore, it has been classified as a Variant of Uncertain Significance.